The following is an entry in ClinVar:

NM_006019.4(TCIRG1):c.992_1020del (p.Ala331fs)

Gene: TCIRG1 (T cell immune regulator 1, ATPase H+ transporting V0 subunit a3; plus strand). Cytogenetic location: 11q13.2.
Variant type: Deletion.
Coding change: c.992_1020del on transcript NM_006019.4 (MANE Select); coding-DNA positions 992 to 1020, 29 bases deleted (CCCTGCAGGAGGCCCTGCGGGACAGCTCG).
Protein change: p.Ala331fs; shifts the reading frame from alanine 331.
Molecular consequence: frameshift variant.
Genome position (GRCh38, 1-based): chr11:68,044,316-68,044,344, CCCTGCAGGAGGCCCTGCGGGACAGCTCG deleted; deleting any 29 consecutive bases within chr11:68,044,314-68,044,344 gives the same sequence; the c. name uses the placement nearest the transcript's 3' end. VCF-style (leftmost placement, unchanged base first): chr11-68044313-CCGCCCTGCAGGAGGCCCTGCGGGACAGCT-C. GRCh37 (hg19) VCF-style: chr11-67811780-CCGCCCTGCAGGAGGCCCTGCGGGACAGCT-C.
Other names: c.98_126del, p.Ala33fs (NM_001351059.2); c.344_372del, p.Ala115fs (NM_006053.4); short protein forms A331fs, A33fs, A115fs.
Identifiers: ClinVar variation 2849201 (VCV002849201.3), dbSNP rs2495628145, ClinGen allele CA2739270653.

ClinVar aggregate classification (germline): Pathogenic (1 of 4 stars; one submission).

Submission:

Labcorp Genetics (formerly Invitae), Labcorp
Classification: Pathogenic. Last evaluated: 2023-09-10. Review status: criteria provided, single submitter. Criteria: Invitae Variant Classification Sherloc (09022015). Collection method: clinical testing. Allele origin: germline.
Comment: For these reasons, this variant has been classified as Pathogenic. This sequence change creates a premature translational stop signal (p.Ala331Aspfs*149) in the TCIRG1 gene. It is expected to result in an absent or disrupted protein product. Loss-of-function variants in TCIRG1 are known to be pathogenic (PMID: 10888887, 10942435, 11532986, 19448635). This variant is not present in population databases (gnomAD no frequency). This variant has not been reported in the literature in individuals affected with TCIRG1-related conditions.

Literature cited by the submitters: PubMed 10888887; PubMed 10942435; PubMed 11532986; PubMed 19448635.